The following is an entry in ClinVar:

NM_018062.4(FANCL):c.26dup (p.Leu9fs)

Gene: FANCL (FA complementation group L; minus strand). Cytogenetic location: 2p16.1.
Variant type: Duplication.
Coding change: c.26dup on transcript NM_018062.4 (MANE Select); coding-DNA position 26, one base duplicated (T; older notation c.26dupT).
Protein change: p.Leu9fs; shifts the reading frame from leucine 9.
Molecular consequence: frameshift variant. On other transcripts: non-coding transcript variant (2).
Genome position (GRCh38, 1-based): chr2:58,241,288, A duplicated on the plus strand (T on the coding strand, the reverse complement: FANCL is on the minus strand); the first of 2 consecutive A bases (chr2:58,241,288-58,241,289); duplicating either gives the same sequence. VCF-style (leftmost placement, unchanged base first): chr2-58241287-C-CA. GRCh37 (hg19) VCF-style: chr2-58468422-C-CA.
Other names: c.26dup, p.Leu9fs (NM_001114636.2, NM_001374615.1, NM_001410792.1 and 4 more transcripts); short protein forms L9fs.
Identifiers: ClinVar variation 4723429 (VCV004723429.1).

ClinVar aggregate classification (germline): Pathogenic (1 of 4 stars; one submission).

Conditions:
Fanconi anemia (FA). Also called: Fanconi's anemia. Identifiers: Orphanet 84, MedGen C0015625, MeSH D005199, MONDO:0019391.

Submission:

Labcorp Genetics (formerly Invitae), Labcorp
Classification: Pathogenic for Fanconi anemia. Last evaluated: 2025-07-18. Review status: criteria provided, single submitter. Criteria: Invitae Variant Classification Sherloc (09022015). Collection method: clinical testing. Allele origin: germline.
Comment: This sequence change creates a premature translational stop signal (p.Leu9Phefs*18) in the FANCL gene. It is expected to result in an absent or disrupted protein product. Loss-of-function variants in FANCL are known to be pathogenic (PMID: 19405097, 23613520). This variant is not present in population databases (gnomAD no frequency). This variant has not been reported in the literature in individuals affected with FANCL-related conditions. For these reasons, this variant has been classified as Pathogenic.

Literature cited by the submitters: PubMed 19405097; PubMed 23613520.